The following is an entry in ClinVar:

ClinVar aggregate classification (germline): Uncertain significance (1 of 4 stars; one submission).

Conditions:
Cardiovascular phenotype. Identifiers: MedGen CN230736.

Submission:

Ambry Genetics
Classification: Uncertain significance for Cardiovascular phenotype. Last evaluated: 2021-08-22. Review status: criteria provided, single submitter. Criteria: Ambry Variant Classification Scheme 2023. Collection method: clinical testing. Allele origin: germline.
Comment: The p.D125N variant (also known as c.373G>A), located in coding exon 4 of the RIT1 gene, results from a G to A substitution at nucleotide position 373. The aspartic acid at codon 125 is replaced by asparagine, an amino acid with highly similar properties. This amino acid position is conserved. In addition, this alteration is predicted to be tolerated by in silico analysis. Since supporting evidence is limited at this time, the clinical significance of this alteration remains unclear.

NM_006912.6(RIT1):c.373G>A (p.Asp125Asn)

Gene: RIT1 (Ras like without CAAX 1; minus strand). Cytogenetic location: 1q22.
Variant type: single nucleotide variant.
Coding change: c.373G>A on transcript NM_006912.6 (MANE Select); coding-DNA position 373, G replaced by A.
Protein change: p.Asp125Asn; replaces aspartic acid 125 with asparagine.
Molecular consequence: missense variant.
Genome position (GRCh38, 1-based): chr1:155,904,367, C>T on the plus strand (G>A on the coding strand, the complement: RIT1 is on the minus strand). VCF-style: chr1-155904367-C-T. GRCh37 (hg19) VCF-style: chr1-155874158-C-T.
Other names: c.265G>A, p.Asp89Asn (NM_001256820.2); c.424G>A, p.Asp142Asn (NM_001256821.2); short protein forms D125N, D142N, D89N.
Identifiers: ClinVar variation 1734459 (VCV001734459.2), dbSNP rs1673387378, ClinGen allele CA342802284.